The following is an entry in ClinVar:

NM_004370.6(COL12A1):c.5436A>T (p.Lys1812Asn)

Gene: COL12A1 (collagen type XII alpha 1 chain; minus strand). Cytogenetic location: 6q13.
Variant type: single nucleotide variant.
Coding change: c.5436A>T on transcript NM_004370.6 (MANE Select); coding-DNA position 5436, A replaced by T.
Protein change: p.Lys1812Asn; replaces lysine 1812 with asparagine.
Molecular consequence: missense variant.
Genome position (GRCh38, 1-based): chr6:75,134,814, T>A on the plus strand (A>T on the coding strand, the complement: COL12A1 is on the minus strand). VCF-style: chr6-75134814-T-A. GRCh37 (hg19) VCF-style: chr6-75844530-T-A.
Other names: c.5436A>T, p.Lys1812Asn (NM_001424113.1); c.5415A>T, p.Lys1805Asn (NM_001424114.1); c.5163A>T, p.Lys1721Asn (NM_001424115.1); c.1944A>T, p.Lys648Asn (NM_001424116.1, NM_080645.3); short protein forms K1721N, K1805N, K1812N, K648N.
Identifiers: ClinVar variation 4887505 (VCV004887505.1).

ClinVar aggregate classification (germline): Uncertain significance (1 of 4 stars; one submission).

gnomAD v4.1: 1 of 1,613,188 alleles (0.000062%); highest among the groups gnomAD compares: Non-Finnish European, 0.000085%; no homozygotes.

Submission:

Women's Health and Genetics/Laboratory Corporation of America, LabCorp
Classification: Uncertain significance. Last evaluated: 2026-06-29. Review status: criteria provided, single submitter. Criteria: LabCorp Variant Classification Summary - May 2015. Collection method: clinical testing. Allele origin: germline.
Comment: Variant summary: COL12A1 c.5436A>T (p.Lys1812Asn) results in a non-conservative amino acid change in the encoded protein sequence. Algorithms developed to predict the effect of missense changes on protein structure and function are either unavailable or do not agree on the potential impact of this missense change. The variant was absent in 249474 control chromosomes. The available data on variant occurrences in the general population are insufficient to allow any conclusion about variant significance. To our knowledge, no occurrence of c.5436A>T in individuals affected with COL12A1-related conditions and no experimental evidence demonstrating its impact on protein function have been reported. No submitters have cited clinical-significance assessments for this variant to ClinVar. Based on the evidence outlined above, the variant was classified as uncertain significance.